The following is an entry in ClinVar:

ClinVar aggregate classification (germline): Uncertain significance (1 of 4 stars; one submission).

Submission:

Labcorp Genetics (formerly Invitae), Labcorp
Classification: Uncertain significance. Last evaluated: 2025-06-04. Review status: criteria provided, single submitter. Criteria: Invitae Variant Classification Sherloc (09022015). Collection method: clinical testing. Allele origin: germline.
Comment: This sequence change replaces glutamine, which is neutral and polar, with histidine, which is basic and polar, at codon 227 of the AUTS2 protein (p.Gln227His). This variant is not present in population databases (gnomAD no frequency). This variant has not been reported in the literature in individuals affected with AUTS2-related conditions. ClinVar contains an entry for this variant (Variation ID: 1718236). An algorithm developed to predict the effect of missense changes on protein structure and function (PolyPhen-2) suggests that this variant is likely to be disruptive. In summary, the available evidence is currently insufficient to determine the role of this variant in disease. Therefore, it has been classified as a Variant of Uncertain Significance.

NM_015570.4(AUTS2):c.681G>C (p.Gln227His)

Gene: AUTS2 (activator of transcription and developmental regulator AUTS2; plus strand). Cytogenetic location: 7q11.22.
Variant type: single nucleotide variant.
Coding change: c.681G>C on transcript NM_015570.4 (MANE Select); coding-DNA position 681, G replaced by C.
Protein change: p.Gln227His; replaces glutamine 227 with histidine.
Molecular consequence: missense variant.
Genome position (GRCh38, 1-based): chr7:70,435,772, G>C. VCF-style: chr7-70435772-G-C. GRCh37 (hg19) VCF-style: chr7-69900758-G-C.
Other names: c.681G>C, p.Gln227His (NM_001127231.3); short protein forms Q227H.
Identifiers: ClinVar variation 1718236 (VCV001718236.5), dbSNP rs746949648, ClinGen allele CA367704550.